The following is an entry in ClinVar:

ClinVar aggregate classification (germline): Likely benign. Review status: criteria provided, multiple submitters, no conflicts (2 of 4 stars). 3 submissions from 3 submitters: Likely benign (3). Last evaluated 2026-05-22.

Conditions:
P3H2-related disorder. Also called: P3H2-related condition.

Allele frequency attached by ClinVar (database versions not stated): gnomAD 0.00005; gnomAD exomes 0.00005 and 0.00019; TOPMed 0.00006.
gnomAD v4.1: 34 of 1,538,826 alleles (0.0022%); highest among the groups gnomAD compares: Admixed American, 0.065%; no homozygotes.

Submissions (3):

PreventionGenetics, part of Exact Sciences
Classification: Likely benign for P3H2-related condition. Last evaluated: 2026-05-22. Review status: criteria provided, single submitter. Criteria: ACMG Guidelines, 2015. Collection method: clinical testing. Allele origin: germline.
Comment: This variant is classified as likely benign based on ACMG/AMP sequence variant interpretation guidelines (Richards et al. 2015 PMID: 25741868, with internal and published modifications).

Labcorp Genetics (formerly Invitae), Labcorp
Classification: Likely benign. Last evaluated: 2025-04-28. Review status: criteria provided, single submitter. Criteria: Invitae Variant Classification Sherloc (09022015). Collection method: clinical testing. Allele origin: germline.

Blueprint Genetics
Classification: Likely benign. Last evaluated: 2022-04-11. Review status: criteria provided, single submitter. Criteria: ACMG Guidelines, 2015. Collection method: clinical testing. Allele origin: germline.

NM_018192.4(P3H2):c.327T>C (p.Leu109=)

Genes: P3H2 (prolyl 3-hydroxylase 2; minus strand), LOC129938149 (ATAC-STARR-seq lymphoblastoid silent region 14999; plus strand). Cytogenetic location: 3q28.
Variant type: single nucleotide variant.
Coding change: c.327T>C on transcript NM_018192.4 (MANE Select); coding-DNA position 327, T replaced by C.
Protein change: p.Leu109=; no amino-acid change (leucine 109 retained).
Molecular consequence: synonymous variant. On other transcripts: intron variant (1).
Genome position (GRCh38, 1-based): chr3:190,120,405, A>G on the plus strand (T>C on the coding strand, the complement: P3H2 is on the minus strand). VCF-style: chr3-190120405-A-G. GRCh37 (hg19) VCF-style: chr3-189838194-A-G.
Other names: c.-64+1798T>C (NM_001134418.2); c.327T>C (NM_018192.3).
Identifiers: ClinVar variation 1079390 (VCV001079390.9), dbSNP rs752514367, ClinGen allele CA2753390.